The following is an entry in ClinVar:

NM_000287.4(PEX6):c.2123del (p.Gly708fs)

Gene: PEX6 (peroxisomal biogenesis factor 6; minus strand). Cytogenetic location: 6p21.1.
Variant type: Deletion.
Coding change: c.2123del on transcript NM_000287.4 (MANE Select); coding-DNA position 2123, one base deleted (G; older notation c.2123delG).
Protein change: p.Gly708fs; shifts the reading frame from glycine 708.
Molecular consequence: frameshift variant.
Genome position (GRCh38, 1-based): chr6:42,966,419, C deleted on the plus strand (G on the coding strand, the reverse complement: PEX6 is on the minus strand); the first of 3 consecutive C bases (chr6:42,966,419-42,966,421); deleting any one gives the same sequence. VCF-style (leftmost placement, unchanged base first): chr6-42966418-AC-A. GRCh37 (hg19) VCF-style: chr6-42934156-AC-A.
Other names: c.1859del, p.Gly620fs (NM_001316313.2); short protein forms G620fs, G708fs.
Identifiers: ClinVar variation 4818113 (VCV004818113.1).
Genomic context (GRCh38, chr6:42,966,418, plus strand): 5'-AGGGTGCTCCAGGGGGAGCTGAATGGTCTCCAGGATCTCCTTCTTCACCTCCTGCAGCCC[AC>A]CCACATCATGCCAGGACACTGAGGGGATCTAGGAGATGGAAAGTGCGTGGTTGGGATATG-3'

ClinVar aggregate classification (germline): Likely pathogenic (1 of 4 stars; one submission).

Conditions:
Zellweger spectrum disorders (ZS). Also called: Zellweger Spectrum Disorder (ZSD); Zellweger syndrome; Zellweger Spectrum Disorder; Zellweger Spectrum. Identifiers: Orphanet 912, MedGen C0043459, MONDO:0019609.

Submission:

Natera, Inc.
Classification: Likely pathogenic for Zellweger syndrome. Last evaluated: 2025-09-02. Review status: criteria provided, single submitter. Criteria: Natera Variant Classification Schema (03/2026). Collection method: clinical testing. Allele origin: germline.
Comment: The c.2123del variant in PEX6 is a frameshift variant predicted to shift the reading frame beginning at codon 708 and leads to a stop codon 6 codons downstream. This variant is expected to result in nonsense mediated decay, truncation, or a dysfunctional protein product. This variant is rare in the general population with a frequency below the threshold expected for the associated phenotype(s). Given the available evidence, this variant is classified as Likely Pathogenic.